The following is an entry in ClinVar:

ClinVar aggregate classification (germline): Pathogenic/Likely pathogenic. Review status: criteria provided, multiple submitters, no conflicts (2 of 4 stars). 15 submissions from 15 submitters: Pathogenic (10); Likely pathogenic (2). 3 of the submissions do not count toward it. Last evaluated 2026-03-14.

Conditions:
PRSS1-related disorder. Also called: PRSS1-related condition.
Hereditary pancreatitis (PCTT). Also called: Hereditary chronic pancreatitis; PRSS1-Related Hereditary Pancreatitis. Identifiers: Orphanet 676, MedGen C0238339, MONDO:0008185, OMIM 167800.
Recurrent pancreatitis. Identifiers: MedGen C4551632, HP:0100027.

Allele frequency attached by ClinVar (database versions not stated): gnomAD exomes 0.00009; ExAC 0.01604; 1000 Genomes Project 30x 0.36430.

Submissions 1 to 9 of 15:

Dasa
Classification: Pathogenic. Last evaluated: 2026-03-14. Review status: criteria provided, single submitter. Criteria: DASA Assertion Criteria. Collection method: clinical testing. Allele origin: germline.
Comment: NM_002769.5(PRSS1):c.47C>T (p.Ala16Val) is a missense variant that results in the substitution of alanine with valine. Functional evidence supports a deleterious effect on the gene or gene product (PMID: 16505482; PMID: 22547072; PMID: 19453252; PMID: 10381903; PMID: 11260229). This variant has been recurrently observed in individuals with related phenotype (PMID: 16505482; PMID: 22547072; PMID: 19453252; PMID: 10381903; PMID: 11260229). Segregation evidence has been reported in affected families. Based on the available data, this variant is classified as pathogenic.

GeneDx
Classification: Pathogenic. Last evaluated: 2025-12-31. Review status: criteria provided, single submitter. Criteria: GeneDx Variant Classification Process June 2021. Collection method: clinical testing. Allele origin: germline.
Comment: One of the most common PRSS1 pathogenic variants observed in families with pancreatitis and suggested to have a reduced penetrance compared to other pathogenic PRSS1 variants given unaffected carriers in some families (PMID: 10381903, 15017610, 19951905, 20502448, 22749696, 35578795); Published functional studies demonstrate a damaging effect: increased rate of chymotrypsin C (CTRC)-mediated trypsinogen activation (PMID: 16505482); Case control studies suggest this variant is associated with pancreatitis (PMID: 22427236); In silico analysis suggests that this missense variant does not alter protein structure/function; This variant is associated with the following publications: (PMID: 17204147, 24002981, 15082592, 19453252, 19191323, 22539344, 23143602, 27535533, 19951905, 10381903, 26658045, 25546417, 22749696, 15017610, 11788572, 16791840, 16542853, 24458023, 21907651, 11260229, 20502448, 32547704, 32268488, 27555793, 34065437, 33504001, 34036232, 35773178, 33963039, 35096544, 35578795, 10610343, 11138965, 11950815, 12120221, 12120234, 11866271, 22427236, 16505482)

ARUP Laboratories, Molecular Genetics and Genomics, ARUP Laboratories
Classification: Pathogenic for Hereditary pancreatitis. Last evaluated: 2025-05-16. Review status: criteria provided, single submitter. Criteria: ARUP Molecular Germline Variant Investigation Process 2024. Collection method: clinical testing. Allele origin: germline.
Comment: The PRSS1 c.47C>T; p.Ala16Val variant (rs202003805) is one of the most common pathogenic PRSS1 variants (Rebours 2012), has been reported to co-segregate with disease in families with hereditary pancreatitis (Grocock 2010, Joergensen 2010, Rebours 2012), and is reported in the literature in individuals affected with idiopathic chronic pancreatitis (Grocock 2010, Howes 2004, Witt 1999). This variant is reported in ClinVar (Variation ID: 38363), and is found in the general population with an overall allele frequency of 0.65% (1680/256738 alleles) in the Genome Aggregation Database, but is considered a low confidence variant in the database. This variant has been described to have variable penetrance (Grocock 2010, Joergensen 2010), and in vitro assays have shown p.Ala16Val to increase cationic trypsinogen activity (Nemoda 2006, Szabo 2012). Based on functional assays and this variant's strong association with pancreatitis, the p.Ala16Val variant is considered to be pathogenic. References: Grocock CJ et al. The variable phenotype of the p.A16V mutation of cationic trypsinogen (PRSS1) in pancreatitis families. 2010 Gut. 59(3):357-63. PMID: 19951905. Howes N et al. Clinical and genetic characteristics of hereditary pancreatitis in Europe. Clin Gastroenterol Hepatol. 2004 2(3):252-61. PMID: 15017610. Joergensen MT et al. Genetic, epidemiological, and clinical aspects of hereditary pancreatitis: a population-based cohort study in Denmark. Am J Gastroenterol. 2010 105(8):1876-83. PMID: 20502448. Nemoda Z et al. Chymotrypsin C (caldecrin) stimulates autoactivation of human cationic trypsinogen. J Biol Chem. 2006 281(17):11879-86. PMID: 16505482. Rebours V et al. An overview of hereditary pancreatitis. Dig Liver Dis. 2012 44(1):8-15. PMID: 21907651. Szabo A et al. Increased activation of hereditary pancreatitis-associated human cationic trypsinogen mutants in presence of chymotrypsin C. J Biol Chem. 2012 287(24):20701-10. PMID: 22539344. Witt H et al. A signal peptide cleavage site mutation in the cationic trypsinogen gene is strongly associated with chronic pancreatitis. Gastroenterology. 1999 117(1):7-10. PMID: 10381903.

Labcorp Genetics (formerly Invitae), Labcorp
Classification: Pathogenic for Hereditary pancreatitis. Last evaluated: 2025-04-08. Review status: criteria provided, single submitter. Criteria: Invitae Variant Classification Sherloc (09022015). Collection method: clinical testing. Allele origin: germline.
Comment: This sequence change replaces alanine, which is neutral and non-polar, with valine, which is neutral and non-polar, at codon 16 of the PRSS1 protein (p.Ala16Val). The frequency data for this variant in the population databases is considered unreliable, as metrics indicate poor data quality at this position in the gnomAD database. This missense change has been observed in individual(s) with pancreatic cancer (PMID: 10381903, 11260229, 15017610, 19453252, 19951905, 20502448, 21907651, 22749696). It has also been observed to segregate with disease in related individuals. ClinVar contains an entry for this variant (Variation ID: 38363). An algorithm developed to predict the effect of missense changes on protein structure and function outputs the following: PolyPhen-2: "Benign". The valine amino acid residue is found in multiple mammalian species, which suggests that this missense change does not adversely affect protein function. Experimental studies have shown that this missense change affects PRSS1 function (PMID: 16505482, 22539344). For these reasons, this variant has been classified as Pathogenic.

Women's Health and Genetics/Laboratory Corporation of America, LabCorp
Classification: Pathogenic for Hereditary pancreatitis. Last evaluated: 2025-01-28. Review status: criteria provided, single submitter. Criteria: LabCorp Variant Classification Summary - May 2015. Collection method: clinical testing. Allele origin: germline.
Comment: Variant summary: PRSS1 c.47C>T (p.Ala16Val) results in a non-conservative amino acid change in the encoded protein sequence. Four of five in-silico tools predict a benign effect of the variant on protein function. The variant allele was found at a frequency of 8.9e-05 in 247634 control chromosomes, predominantly at a frequency of 0.00016 within the Non-Finnish European subpopulation in the gnomAD database. Per published data, this variant is the third most commonly inherited mutation in the PRSS1 gene (Moran_2016) and has been reported in numerous affected individuals in dominant or compound recessive inheritance with a reported penetrance of ~50% (Grocock_2010, Rosendahl_2012). c.47C>T has been reported in the literature in individuals affected with Chronic Pancreatitis (e.g. Grocock_2010, Howes_2004, Witt_1999) and observed to segregate with disease. In functional studies, A16V had no effect on trypsinogen secretion and autoactivation in the absence of chymotrypsin C (Kereszturi_2009). In presence of chymotrypsin C, A16V increased the rate of autoactivation compared with wild-type cationic trypsinogen by increasing N-terminal processing, (Nemoda_2006, Nemeth_2017). The following publications have been ascertained in the context of this evaluation (PMID: 17204147, 19191323, 22427236, 22539344, 22749696, 11260229, 24458023, 19951905, 16505482, 26658045, 25546417, 23143602, 28502372, 29173301, 29215622, 30850667, 30113427, 28536777, 15017610, 30018304, 34065437, 10381903). ClinVar contains an entry for this variant (Variation ID: 38363). Based on functional assays and the strong association with Pancreatitis, the variant was classified as pathogenic.

Mayo Clinic Laboratories, Mayo Clinic
Classification: Pathogenic. Last evaluated: 2025-01-13. Review status: criteria provided, single submitter. Criteria: ACMG Guidelines, 2015. Collection method: clinical testing. Allele origin: germline. Observed: 7 variant alleles.

Blueprint Genetics
Classification: Pathogenic for PRSS1-related disorders. Last evaluated: 2024-11-07. Review status: criteria provided, single submitter. Criteria: ACMG Guidelines, 2015. Collection method: clinical testing. Allele origin: germline. Affected: yes. Observed: 5 variant alleles.

Ambry Genetics
Classification: Pathogenic for Hereditary pancreatitis. Last evaluated: 2024-08-30. Review status: criteria provided, single submitter. Criteria: Ambry Variant Classification Scheme 2023. Collection method: clinical testing. Allele origin: germline.
Comment: The p.A16V pathogenic mutation (also known as c.47C>T), located in coding exon 2 of the PRSS1 gene, results from a C to T substitution at nucleotide position 47. The alanine at codon 16 is replaced by valine, an amino acid with similar properties. In pediatric individuals, heterozygosity for this mutation was associated with chronic pancreatitis (Witt H et al. Gastroenterology, 1999 Jul;117:7-10). Subsequent studies also observed this mutation in affected individuals of all ages, but suggested a reduced penetrance given the presence of asymptomatic family members (Grocock CJ et al. Gut, 2010 Mar;59:357-63; Joergensen MT et al. Am. J. Gastroenterol., 2010 Aug;105:1876-83). In addition, two functional studies demonstrated increased trypsinogen activation in vitro due to a 4- and 5.8-fold increased rate of chymotrypsin C-mediated N-terminal processing relative to wild type, respectively (Nemoda Z et al. J. Biol. Chem., 2006 Apr;281:11879-86; Szab&oacute; A et al. J. Biol. Chem., 2012 Jun;287:20701-10). This amino acid position is poorly conserved in available vertebrate species. In addition, the in silico prediction for this alteration is inconclusive. Based on the supporting evidence, this alteration is interpreted as a disease-causing mutation.

Mendelics
Classification: Likely pathogenic for Hereditary pancreatitis. Last evaluated: 2023-06-19. Review status: criteria provided, single submitter. Criteria: Mendelics Assertion Criteria 2017. Collection method: clinical testing. Allele origin: unknown.

NM_002769.5(PRSS1):c.47C>T (p.Ala16Val)

Genes: PRSS1 (serine protease 1; plus strand), TRB (T cell receptor beta locus; plus strand). Cytogenetic location: 7q34.
Variant type: single nucleotide variant.
Coding change: c.47C>T on transcript NM_002769.5 (MANE Select); coding-DNA position 47, C replaced by T.
Protein change: p.Ala16Val; replaces alanine 16 with valine.
Molecular consequence: missense variant.
Genome position (GRCh38, 1-based): chr7:142,750,561, C>T. VCF-style: chr7-142750561-C-T. GRCh37 (hg19) VCF-style: chr7-142458412-C-T.
Other names: short protein forms A16V.
Identifiers: ClinVar variation 38363 (VCV000038363.48), dbSNP rs202003805, ClinGen allele CA342997.